The following is an entry in ClinVar:

ClinVar aggregate classification (germline): Conflicting classifications of pathogenicity. Review status: criteria provided, conflicting classifications (1 of 4 stars). 4 submissions from 4 submitters: Uncertain significance (2); Likely benign (2). Last evaluated 2026-01-05.

Conditions:
Inborn genetic diseases. Identifiers: MedGen C0950123, MeSH D030342.
Nemaline myopathy 2 (NEM2). Also called: Nemaline myopathy 2, autosomal recessive. Identifiers: MedGen C1850569, MONDO:0009725, OMIM 256030.

Allele frequency attached by ClinVar (database versions not stated): gnomAD below 0.00001 and 0.00001; ExAC 0.00007.
gnomAD v4.1: 39 of 1,609,222 alleles (0.0024%); highest among the groups gnomAD compares: South Asian, 0.039%; no homozygotes.

Submissions (4):

Labcorp Genetics (formerly Invitae), Labcorp
Classification: Likely benign for Nemaline myopathy 2. Last evaluated: 2026-01-05. Review status: criteria provided, single submitter. Criteria: Invitae Variant Classification Sherloc (09022015). Collection method: clinical testing. Allele origin: germline.

Ambry Genetics
Classification: Uncertain significance for Inborn genetic diseases. Last evaluated: 2024-06-05. Review status: criteria provided, single submitter. Criteria: Ambry Variant Classification Scheme 2023. Collection method: clinical testing. Allele origin: germline.

Women's Health and Genetics/Laboratory Corporation of America, LabCorp
Classification: Uncertain significance. Last evaluated: 2024-05-28. Review status: criteria provided, single submitter. Criteria: LabCorp Variant Classification Summary - May 2015. Collection method: clinical testing. Allele origin: germline.

GeneDx
Classification: Likely benign. Last evaluated: 2018-05-02. Review status: criteria provided, single submitter. Criteria: GeneDx Variant Classification (06012015). Collection method: clinical testing. Allele origin: germline. Affected: yes.
Comment: This variant is considered likely benign or benign based on one or more of the following criteria: it is a conservative change, it occurs at a poorly conserved position in the protein, it is predicted to be benign by multiple in silico algorithms, and/or has population frequency not consistent with disease.

NM_001164508.2(NEB):c.25174G>A (p.Glu8392Lys)

Genes: RIF1 (replication timing regulatory factor 1; plus strand), NEB (nebulin; minus strand). Cytogenetic location: 2q23.3.
Variant type: single nucleotide variant.
Coding change: c.25174G>A on transcript NM_001164508.2 (MANE Select); coding-DNA position 25174, G replaced by A.
Protein change: p.Glu8392Lys; replaces glutamic acid 8392 with lysine.
Molecular consequence: missense variant.
Genome position (GRCh38, 1-based): chr2:151,490,495, C>T on the plus strand (G>A on the coding strand, the complement: NEB is on the minus strand). VCF-style: chr2-151490495-C-T. GRCh37 (hg19) VCF-style: chr2-152347009-C-T.
Other names: c.25174G>A, p.Glu8392Lys (NM_001164507.2); c.25279G>A, p.Glu8427Lys (NM_001271208.2); c.19606G>A, p.Glu6536Lys (NM_004543.5); c.19606G>A (NM_004543.4); short protein forms E6536K, E8427K, E8392K.
Identifiers: ClinVar variation 682360 (VCV000682360.6), dbSNP rs121913662, ClinGen allele CA1905785.